The following is an entry in ClinVar:

ClinVar aggregate classification (germline): Uncertain significance. Review status: criteria provided, multiple submitters, no conflicts (2 of 4 stars). 2 submissions from 2 submitters: Uncertain significance (2). Last evaluated 2025-06-04.

Conditions:
Familial cold autoinflammatory syndrome 2 (FCAS2). Identifiers: Orphanet 247868, MedGen C2673198, MONDO:0012724, OMIM 611762.

Submissions (2):

Labcorp Genetics (formerly Invitae), Labcorp
Classification: Uncertain significance for Familial cold autoinflammatory syndrome 2. Last evaluated: 2025-06-04. Review status: criteria provided, single submitter. Criteria: Invitae Variant Classification Sherloc (09022015). Collection method: clinical testing. Allele origin: germline.
Comment: This sequence change creates a premature translational stop signal (p.Asn152Lysfs*41) in the NLRP12 gene. It is expected to result in an absent or disrupted protein product. However, the current clinical and genetic evidence is not sufficient to establish whether loss-of-function variants in NLRP12 cause disease. This variant is present in population databases (rs759034762, gnomAD 0.005%). This variant has not been reported in the literature in individuals affected with NLRP12-related conditions. ClinVar contains an entry for this variant (Variation ID: 493269). In summary, the available evidence is currently insufficient to determine the role of this variant in disease. Therefore, it has been classified as a Variant of Uncertain Significance.

CeGaT Center for Human Genetics Tuebingen
Classification: Uncertain significance. Last evaluated: 2017-10-01. Review status: criteria provided, single submitter. Criteria: CeGaT Center For Human Genetics Tuebingen Variant Classification Criteria Version 2. Collection method: clinical testing. Allele origin: germline. Affected: yes. Observed: 1 variant allele.

NM_144687.4(NLRP12):c.455dup (p.Asn152fs)

Gene: NLRP12 (NLR family pyrin domain containing 12; minus strand). Cytogenetic location: 19q13.42.
Variant type: Duplication.
Coding change: c.455dup on transcript NM_144687.4 (MANE Select); coding-DNA position 455, one base duplicated (A; older notation c.455dupA).
Protein change: p.Asn152fs; shifts the reading frame from asparagine 152.
Molecular consequence: frameshift variant.
Genome position (GRCh38, 1-based): chr19:53,811,204, T duplicated on the plus strand (A on the coding strand, the reverse complement: NLRP12 is on the minus strand); the first of 2 consecutive T bases (chr19:53,811,204-53,811,205); duplicating either gives the same sequence. VCF-style (leftmost placement, unchanged base first): chr19-53811203-G-GT. GRCh37 (hg19) VCF-style: chr19-54314457-G-GT.
Other names: c.455dup, p.Asn152fs (NM_001277126.2, NM_001277129.1); short protein forms N152fs.
Identifiers: ClinVar variation 493269 (VCV000493269.52), dbSNP rs759034762, ClinGen allele CA9639700.